The following is an entry in ClinVar:

ClinVar aggregate classification (germline): Benign. Review status: criteria provided, multiple submitters, no conflicts (2 of 4 stars). 5 submissions from 5 submitters: Benign (5). Last evaluated 2026-01-27.

Conditions:
Hereditary spastic paraplegia. Also called: Familial spastic paraparesis. Identifiers: Orphanet 685, MedGen C0037773, MONDO:0019064. Disease mechanism: loss of function.
Spastic ataxia 2. Also called: Ataxia, spastic, 2, autosomal recessive. Identifiers: Orphanet 397946, MedGen C1969796, MONDO:0012651, OMIM 611302.

Allele frequency attached by ClinVar (database versions not stated): gnomAD exomes 0.00484 and 0.00920; ExAC 0.01797; 1000 Genomes Project 0.03335; ESP Exome Variant Server 0.03453; gnomAD 0.03463 and 0.03703; 1000 Genomes Project 30x 0.03716; TOPMed 0.03948.
gnomAD v4.1: 12,414 of 1,581,366 alleles (0.79%); highest among the groups gnomAD compares: African/African-American, 12%; 562 homozygotes.

Submissions (5):

Labcorp Genetics (formerly Invitae), Labcorp
Classification: Benign for Spastic ataxia 2. Last evaluated: 2026-01-27. Review status: criteria provided, single submitter. Criteria: Invitae Variant Classification Sherloc (09022015). Collection method: clinical testing. Allele origin: germline.

Mayo Clinic Laboratories, Mayo Clinic
Classification: Benign. Last evaluated: 2022-03-24. Review status: criteria provided, single submitter. Criteria: ACMG Guidelines, 2015. Collection method: clinical testing. Allele origin: germline. Observed: 15 variant alleles.

Genome Diagnostics Laboratory, The Hospital for Sick Children
Classification: Benign for Hereditary spastic paraplegia. Last evaluated: 2022-01-14. Review status: criteria provided, single submitter. Criteria: ACMG Guidelines, 2015. Collection method: clinical testing. Allele origin: germline. Affected: yes.

GeneDx
Classification: Benign. Last evaluated: 2016-08-16. Review status: criteria provided, single submitter. Criteria: GeneDx Variant Classification (06012015). Collection method: clinical testing. Allele origin: germline. Affected: yes.
Comment: This variant is considered likely benign or benign based on one or more of the following criteria: it is a conservative change, it occurs at a poorly conserved position in the protein, it is predicted to be benign by multiple in silico algorithms, and/or has population frequency not consistent with disease.

Breakthrough Genomics
Classification: Benign. Review status: criteria provided, single submitter. Criteria: ACMG Guidelines, 2015. Collection method: not provided. Allele origin: germline. Inheritance: Autosomal recessive inheritance. Affected: yes.

NM_006612.6(KIF1C):c.2298C>T (p.His766=)

Gene: KIF1C (kinesin family member 1C; plus strand). Cytogenetic location: 17p13.2.
Variant type: single nucleotide variant.
Coding change: c.2298C>T on transcript NM_006612.6 (MANE Select); coding-DNA position 2298, C replaced by T.
Protein change: p.His766=; no amino-acid change (histidine 766 retained).
Molecular consequence: synonymous variant.
Genome position (GRCh38, 1-based): chr17:5,022,379, C>T. VCF-style: chr17-5022379-C-T. GRCh37 (hg19) VCF-style: chr17-4925674-C-T.
Other names: p.His766=.
Identifiers: ClinVar variation 387794 (VCV000387794.17), dbSNP rs73345356, ClinGen allele CA8319261.